The following is an entry in ClinVar:

ClinVar aggregate classification (germline): Pathogenic. Review status: criteria provided, single submitter (1 of 4 stars). 2 submissions from 2 submitters: Pathogenic (1). 1 of the submissions does not count toward it. Last evaluated 2022-07-21.

Conditions:
Retinal dystrophy. Also called: Inherited retinal dystrophy. Identifiers: Orphanet 71862, MedGen C0854723, MeSH D058499, MONDO:0019118, HP:0000556.
Leber congenital amaurosis 3 (LCA3). Also called: SPATA7-Related Retinitis Pigmentosa. Identifiers: MedGen C1858677, MONDO:0011415, OMIM 604232.

Submissions (2):

Labcorp Genetics (formerly Invitae), Labcorp
Classification: Pathogenic for Leber congenital amaurosis 3. Last evaluated: 2022-07-21. Review status: criteria provided, single submitter. Criteria: Invitae Variant Classification Sherloc (09022015). Collection method: clinical testing. Allele origin: germline.
Comment: For these reasons, this variant has been classified as Pathogenic. ClinVar contains an entry for this variant (Variation ID: 236497). This premature translational stop signal has been observed in individual(s) with inherited retinal disease (PMID: 27208204). This variant is present in population databases (rs745422364, gnomAD 0.002%). This sequence change creates a premature translational stop signal (p.Ser354Phefs*4) in the SPATA7 gene. It is expected to result in an absent or disrupted protein product. Loss-of-function variants in SPATA7 are known to be pathogenic (PMID: 19268277, 22334370, 23847139, 26047050, 26261414).

Centre for Genomic Medicine, Manchester, Central Manchester University Hospitals
Classification: Likely pathogenic for Retinal dystrophy. Review status: no assertion criteria provided. Collection method: clinical testing. Allele origin: germline. Affected: yes. Not counted in ClinVar's aggregate classification.

Literature cited by the submitters: PubMed 27208204 (cited by Labcorp Genetics (formerly Invitae), Labcorp); PubMed 19268277 (cited by Labcorp Genetics (formerly Invitae), Labcorp); PubMed 22334370 (cited by Labcorp Genetics (formerly Invitae), Labcorp); PubMed 23847139 (cited by Labcorp Genetics (formerly Invitae), Labcorp); PubMed 26047050 (cited by Labcorp Genetics (formerly Invitae), Labcorp); PubMed 26261414 (cited by Labcorp Genetics (formerly Invitae), Labcorp).

NM_018418.5(SPATA7):c.1058dup (p.Ser354fs)

Gene: SPATA7 (spermatogenesis associated 7; plus strand). Cytogenetic location: 14q31.3.
Variant type: Duplication.
Coding change: c.1058dup on transcript NM_018418.5 (MANE Select); coding-DNA position 1058, one base duplicated (C; older notation c.1058dupC).
Protein change: p.Ser354fs; shifts the reading frame from serine 354.
Molecular consequence: frameshift variant.
Genome position (GRCh38, 1-based): chr14:88,431,201, C duplicated; the last of 5 consecutive C bases (chr14:88,431,197-88,431,201); duplicating any one gives the same sequence. VCF-style (leftmost placement, unchanged base first): chr14-88431196-G-GC. GRCh37 (hg19) VCF-style: chr14-88897540-G-GC.
Other names: c.962dup, p.Ser322fs (NM_001040428.4); short protein forms S322fs, S354fs.
Identifiers: ClinVar variation 236497 (VCV000236497.10), dbSNP rs878853385, ClinGen allele CA7298700.